The following is an entry in ClinVar:

NM_017739.4(POMGNT1):c.1945A>C (p.Lys649Gln)

Genes: POMGNT1 (protein O-linked mannose N-acetylglucosaminyltransferase 1 (beta 1,2-); minus strand), TSPAN1 (tetraspanin 1; plus strand). Cytogenetic location: 1p34.1.
Variant type: single nucleotide variant.
Coding change: c.1945A>C on transcript NM_017739.4 (MANE Select); coding-DNA position 1945, A replaced by C.
Protein change: p.Lys649Gln; replaces lysine 649 with glutamine.
Molecular consequence: missense variant. On other transcripts: intron variant (1).
Genome position (GRCh38, 1-based): chr1:46,189,308, T>G on the plus strand (A>C on the coding strand, the complement: POMGNT1 is on the minus strand). VCF-style: chr1-46189308-T-G. GRCh37 (hg19) VCF-style: chr1-46654980-T-G.
Other names: c.1919A>C, p.Lys640Thr (NM_001243766.2); c.1879A>C, p.Lys627Gln (NM_001290129.3); c.1516A>C, p.Lys506Gln (NM_001290130.2); c.1895+150A>C (NM_001410783.1); short protein forms K506Q, K649Q, K640T, K627Q.
Identifiers: ClinVar variation 1498997 (VCV001498997.5), dbSNP rs752942416, ClinGen allele CA833183.

ClinVar aggregate classification (germline): Uncertain significance (1 of 4 stars; one submission).

Conditions:
Autosomal recessive limb-girdle muscular dystrophy type 2O. Also called: Limb-Girdle Muscular Dystrophy Type 3C; MUSCULAR DYSTROPHY-DYSTROGLYCANOPATHY (LIMB-GIRDLE), TYPE C, 3; MUSCULAR DYSTROPHY-DYSTROGLYCANOPATHY, LIMB-GIRDLE, POMGNT1-RELATED. Identifiers: Orphanet 206564, MedGen C3150417, MONDO:0013161, OMIM 613157.
Muscular dystrophy-dystroglycanopathy (congenital with impaired intellectual development), type B, 3. Also called: Muscular dystrophy-dystroglycanopathy (congenital with intellectual disability), type B3; MUSCULAR DYSTROPHY, CONGENITAL, POMGNT1-RELATED. Identifiers: MedGen C3150412, MONDO:0013155, OMIM 613151.

Allele frequency attached by ClinVar (database versions not stated): ExAC 0.00001; gnomAD exomes below 0.00001.
gnomAD v4.1: 2 of 1,613,638 alleles (0.00012%); highest among the groups gnomAD compares: Non-Finnish European, 0.00017%; no homozygotes.

Submission:

Labcorp Genetics (formerly Invitae), Labcorp
Classification: Uncertain significance for Autosomal recessive limb-girdle muscular dystrophy type 2O; Muscular dystrophy-dystroglycanopathy (congenital with impaired intellectual development), type B, 3. Last evaluated: 2021-10-06. Review status: criteria provided, single submitter. Criteria: Invitae Variant Classification Sherloc (09022015). Collection method: clinical testing. Allele origin: germline.
Comment: This sequence change replaces lysine with glutamine at codon 649 of the POMGNT1 protein (p.Lys649Gln). The lysine residue is weakly conserved and there is a small physicochemical difference between lysine and glutamine. This variant is present in population databases (rs752942416, ExAC 0.002%). This variant has not been reported in the literature in individuals affected with POMGNT1-related conditions. Advanced modeling of protein sequence and biophysical properties (such as structural, functional, and spatial information, amino acid conservation, physicochemical variation, residue mobility, and thermodynamic stability) performed at Invitae indicates that this missense variant is not expected to disrupt POMGNT1 protein function. In summary, the available evidence is currently insufficient to determine the role of this variant in disease. Therefore, it has been classified as a Variant of Uncertain Significance.